The following is an entry in ClinVar:

ClinVar aggregate classification (germline): Uncertain significance (1 of 4 stars; one submission).

gnomAD v4.1: 1 of 1,614,108 alleles (0.000062%); highest among the groups gnomAD compares: Non-Finnish European, 0.000085%; no homozygotes.

Submission:

Labcorp Genetics (formerly Invitae), Labcorp
Classification: Uncertain significance. Last evaluated: 2026-01-27. Review status: criteria provided, single submitter. Criteria: Invitae Variant Classification Sherloc (09022015). Collection method: clinical testing. Allele origin: germline.
Comment: This sequence change replaces glutamic acid, which is acidic and polar, with glycine, which is neutral and non-polar, at codon 1024 of the COL4A1 protein (p.Glu1024Gly). The frequency data for this variant in the population databases is considered unreliable, as metrics indicate poor data quality at this position in the gnomAD database. This variant has not been reported in the literature in individuals affected with COL4A1-related conditions. Invitae Evidence Modeling of protein sequence and biophysical properties (such as structural, functional, and spatial information, amino acid conservation, physicochemical variation, residue mobility, and thermodynamic stability) indicates that this missense variant is not expected to disrupt COL4A1 protein function with a negative predictive value of 95%. In summary, the available evidence is currently insufficient to determine the role of this variant in disease. Therefore, it has been classified as a Variant of Uncertain Significance.

NM_001845.6(COL4A1):c.3071A>G (p.Glu1024Gly)

Gene: COL4A1 (collagen type IV alpha 1 chain; minus strand). Cytogenetic location: 13q34.
Variant type: single nucleotide variant.
Coding change: c.3071A>G on transcript NM_001845.6 (MANE Select); coding-DNA position 3071, A replaced by G.
Protein change: p.Glu1024Gly; replaces glutamic acid 1024 with glycine.
Molecular consequence: missense variant.
Genome position (GRCh38, 1-based): chr13:110,175,345, T>C on the plus strand (A>G on the coding strand, the complement: COL4A1 is on the minus strand). VCF-style: chr13-110175345-T-C. GRCh37 (hg19) VCF-style: chr13-110827692-T-C.
Other names: short protein forms E1024G.
Identifiers: ClinVar variation 4701200 (VCV004701200.1).